The following is an entry in ClinVar:

NM_020435.4(GJC2):c.1019C>T (p.Ala340Val)

Gene: GJC2 (gap junction protein gamma 2; plus strand). Cytogenetic location: 1q42.13.
Variant type: single nucleotide variant.
Coding change: c.1019C>T on transcript NM_020435.4 (MANE Select); coding-DNA position 1019, C replaced by T.
Protein change: p.Ala340Val; replaces alanine 340 with valine.
Molecular consequence: missense variant.
Genome position (GRCh38, 1-based): chr1:228,158,777, C>T. VCF-style: chr1-228158777-C-T. GRCh37 (hg19) VCF-style: chr1-228346478-C-T.
Other names: short protein forms A340V.
Identifiers: ClinVar variation 1344343 (VCV001344343.9), dbSNP rs752282539, ClinGen allele CA1430939.

ClinVar aggregate classification (germline): Uncertain significance. Review status: criteria provided, multiple submitters, no conflicts (2 of 4 stars). 3 submissions from 3 submitters: Uncertain significance (3). Last evaluated 2025-10-27.

Conditions:
Spastic paraplegia. Identifiers: MedGen C0037772, HP:0001258.
Hereditary spastic paraplegia. Also called: Familial spastic paraparesis. Identifiers: Orphanet 685, MedGen C0037773, MONDO:0019064. Disease mechanism: loss of function.

Allele frequency attached by ClinVar (database versions not stated): gnomAD 0.00005 and 0.00007; TOPMed 0.00006; gnomAD exomes 0.00014 and 0.00019; 1000 Genomes Project 30x 0.00016; ExAC 0.00055.

Submissions (3):

Labcorp Genetics (formerly Invitae), Labcorp
Classification: Uncertain significance for Spastic paraplegia. Last evaluated: 2025-10-27. Review status: criteria provided, single submitter. Criteria: Invitae Variant Classification Sherloc (09022015). Collection method: clinical testing. Allele origin: germline.
Comment: This sequence change replaces alanine, which is neutral and non-polar, with valine, which is neutral and non-polar, at codon 340 of the GJC2 protein (p.Ala340Val). The frequency data for this variant in the population databases is considered unreliable, as metrics indicate poor data quality at this position in the gnomAD database. This variant has not been reported in the literature in individuals affected with GJC2-related conditions. ClinVar contains an entry for this variant (Variation ID: 1344343). Invitae Evidence Modeling of protein sequence and biophysical properties (such as structural, functional, and spatial information, amino acid conservation, physicochemical variation, residue mobility, and thermodynamic stability) has been performed for this missense variant. However, the output from this modeling did not meet the statistical confidence thresholds required to predict the impact of this variant on GJC2 protein function. In summary, the available evidence is currently insufficient to determine the role of this variant in disease. Therefore, it has been classified as a Variant of Uncertain Significance.

Blueprint Genetics
Classification: Uncertain significance. Last evaluated: 2024-11-07. Review status: criteria provided, single submitter. Criteria: ACMG Guidelines, 2015. Collection method: clinical testing. Allele origin: germline.

Genome Diagnostics Laboratory, The Hospital for Sick Children
Classification: Uncertain significance for Hereditary spastic paraplegia. Last evaluated: 2021-06-18. Review status: criteria provided, single submitter. Criteria: ACMG Guidelines, 2015. Collection method: clinical testing. Allele origin: germline. Affected: yes.